The following is an entry in ClinVar:

NM_001008216.2(GALE):c.710-2A>G

Gene: GALE (UDP-galactose-4-epimerase; minus strand). Cytogenetic location: 1p36.11.
Variant type: single nucleotide variant.
Coding change: c.710-2A>G on transcript NM_001008216.2 (MANE Select); the canonical splice acceptor site of the intron before coding-DNA position 710, A replaced by G.
Molecular consequence: splice acceptor variant.
Genome position (GRCh38, 1-based): chr1:23,796,784, T>C on the plus strand (A>G on the coding strand, the complement: GALE is on the minus strand). VCF-style: chr1-23796784-T-C. GRCh37 (hg19) VCF-style: chr1-24123274-T-C.
Other names: c.710-2A>G (NM_000403.4, NM_001127621.2).
Identifiers: ClinVar variation 3370424 (VCV003370424.1).

ClinVar aggregate classification (germline): Likely pathogenic (0 of 4 stars; one submission).

Conditions:
UDPglucose-4-epimerase deficiency. Also called: GALACTOSEMIA III; GALE DEFICIENCY; Galactose epimerase deficiency; UDP-GALACTOSE-4-EPIMERASE DEFICIENCY; Epimerase Deficiency Galactosemia; UDPglucose 4-Epimerase Deficiency Disease. Identifiers: Orphanet 352, Orphanet 79238, MedGen C0751161, MONDO:0009257, OMIM 230350.

Submission:

Department of Genetics, Suzhou Beikang Medical Laboratory
Classification: Likely pathogenic for UDPglucose-4-epimerase deficiency. Last evaluated: 2024-10-31. Review status: no assertion criteria provided. Collection method: clinical testing. Allele origin: germline. Affected: no.
Comment: This sequence change affects an acceptor splice site in intron 8 of the GALE gene. It is expected to disrupt RNA splicing. Variants that disrupt the donor or acceptor splice site typically lead to a loss of protein function (PMID: 16199547), and loss-of-function variants in GALE are known to be pathogenic (PMID: 16301867). This variant is not present in population databases (gnomAD no frequency). This variant has not been reported in the literature in individuals affected with Galactose epimerase deficiency. Algorithms developed to predict the effect of sequence changes on RNA splicing suggest that this variant may disrupt the consensus splice site. In summary, the currently available evidence indicates that the variant is pathogenic, but additional data are needed to prove that conclusively. Therefore, this variant has been classified as Likely Pathogenic.